The following is an entry in ClinVar:

NM_152564.5(VPS13B):c.6456C>G (p.Gly2152=)

Gene: VPS13B (vacuolar protein sorting 13 homolog B; plus strand). Cytogenetic location: 8q22.2.
Variant type: single nucleotide variant.
Coding change: c.6456C>G on transcript NM_152564.5 (MANE Select); coding-DNA position 6456, C replaced by G.
Protein change: p.Gly2152=; no amino-acid change (glycine 2152 retained).
Molecular consequence: synonymous variant.
Genome position (GRCh38, 1-based): chr8:99,717,172, C>G. VCF-style: chr8-99717172-C-G. GRCh37 (hg19) VCF-style: chr8-100729400-C-G.
Other names: c.6531C>G, p.Gly2177= (NM_017890.5); c.6456C>G (NM_152564.4).
Identifiers: ClinVar variation 1642354 (VCV001642354.9), dbSNP rs141845131, ClinGen allele CA462440190.
Genomic context (GRCh38, chr8:99,717,172, plus strand): 5'-TTCCCAAACATTTTTTTTGATAAGGATGAATTATATACTCTTCTGTATTTTTTTTTCAGG[C>G]ATAATTCTTGGGTCATCATTTCTACTCAGTATAAACGATTTTCTCCTTAAAACAAGTCTC-3'
Protein context (NP_689777.3, residues 2142-2162): LSVKATQKVP[Gly2152=]IILGSSFLLS

ClinVar aggregate classification (germline): Likely benign. Review status: criteria provided, single submitter (1 of 4 stars). 2 submissions from 2 submitters: Likely benign (1). 1 of the submissions does not count toward it. Last evaluated 2025-09-15.

Conditions:
VPS13B-related disorder. Also called: VPS13B-related condition.
Cohen syndrome (COH1). Also called: Cutis verticis gyrata, retinitis pigmentosa, and sensorineural deafness; PEPPER SYNDROME. Identifiers: Orphanet 193, MedGen C0265223, MONDO:0008999, OMIM 216550.

Allele frequency attached by ClinVar (database versions not stated): TOPMed 0.00001.
gnomAD v4.1: 3 of 1,610,572 alleles (0.00019%); highest among the groups gnomAD compares: Admixed American, 0.0033%; no homozygotes.

Submissions (2):

Labcorp Genetics (formerly Invitae), Labcorp
Classification: Likely benign for Cohen syndrome. Last evaluated: 2025-09-15. Review status: criteria provided, single submitter. Criteria: Invitae Variant Classification Sherloc (09022015). Collection method: clinical testing. Allele origin: germline.

PreventionGenetics, part of Exact Sciences
Classification: Likely benign for VPS13B-related condition. Last evaluated: 2023-04-26. Review status: no assertion criteria provided. Collection method: clinical testing. Allele origin: germline. Not counted in ClinVar's aggregate classification.
Comment: This variant is classified as likely benign based on ACMG/AMP sequence variant interpretation guidelines (Richards et al. 2015 PMID: 25741868, with internal and published modifications).